The following is an entry in ClinVar:

ClinVar aggregate classification (germline): Uncertain significance. Review status: criteria provided, multiple submitters, no conflicts (2 of 4 stars). 2 submissions from 2 submitters: Uncertain significance (2). Last evaluated 2023-09-11.

Conditions:
Frontotemporal dementia and/or amyotrophic lateral sclerosis 6 (FTDALS6). Also called: VCP-Related Amyotrophic Lateral Sclerosis/Frontotemporal Dementia; VCP-Related Amyotrophic Lateral Sclerosis. Identifiers: Orphanet 275872, Orphanet 803, MedGen C5436279, MONDO:0013501, OMIM 613954.
Inclusion body myopathy with Paget disease of bone and frontotemporal dementia. Also called: Inclusion body myopathy with early-onset Paget disease and frontotemporal dementia. Identifiers: Orphanet 52430, MedGen C1833662, MONDO:0000507.

Allele frequency attached by ClinVar (database versions not stated): gnomAD exomes below 0.00001; TOPMed below 0.00001; ExAC 0.00001.
gnomAD v4.1: 5 of 1,614,072 alleles (0.00031%); highest among the groups gnomAD compares: African/African-American, 0.0013%; no homozygotes.

Submissions (2):

Labcorp Genetics (formerly Invitae), Labcorp
Classification: Uncertain significance for Inclusion body myopathy with Paget disease of bone and frontotemporal dementia; Frontotemporal dementia and/or amyotrophic lateral sclerosis 6. Last evaluated: 2023-09-11. Review status: criteria provided, single submitter. Criteria: Invitae Variant Classification Sherloc (09022015). Collection method: clinical testing. Allele origin: germline.
Comment: In summary, the available evidence is currently insufficient to determine the role of this variant in disease. Therefore, it has been classified as a Variant of Uncertain Significance. Advanced modeling of protein sequence and biophysical properties (such as structural, functional, and spatial information, amino acid conservation, physicochemical variation, residue mobility, and thermodynamic stability) performed at Invitae indicates that this missense variant is not expected to disrupt VCP protein function. ClinVar contains an entry for this variant (Variation ID: 572697). This missense change has been observed in individual(s) with amyotrophic lateral sclerosis (PMID: 22572540). The frequency data for this variant in the population databases is considered unreliable, as metrics indicate poor data quality at this position in the gnomAD database. This sequence change replaces arginine, which is basic and polar, with cysteine, which is neutral and slightly polar, at codon 662 of the VCP protein (p.Arg662Cys).

Revvity Omics, Revvity
Classification: Uncertain significance. Last evaluated: 2019-03-14. Review status: criteria provided, single submitter. Criteria: ACMG Guidelines, 2015. Collection method: clinical testing. Allele origin: germline.

Literature cited by the submitters: PubMed 22572540 (cited by Labcorp Genetics (formerly Invitae), Labcorp).

NM_007126.5(VCP):c.1984C>T (p.Arg662Cys)

Gene: VCP (valosin containing protein; minus strand). Cytogenetic location: 9p13.3.
Variant type: single nucleotide variant.
Coding change: c.1984C>T on transcript NM_007126.5 (MANE Select); coding-DNA position 1984, C replaced by T.
Protein change: p.Arg662Cys; replaces arginine 662 with cysteine.
Molecular consequence: missense variant.
Genome position (GRCh38, 1-based): chr9:35,059,513, G>A on the plus strand (C>T on the coding strand, the complement: VCP is on the minus strand). VCF-style: chr9-35059513-G-A. GRCh37 (hg19) VCF-style: chr9-35059510-G-A.
Other names: c.1849C>T, p.Arg617Cys (NM_001354927.2, NM_001354928.2); short protein forms R662C, R617C.
Identifiers: ClinVar variation 572697 (VCV000572697.11), dbSNP rs765795425, ClinGen allele CA5039164.